The following is an entry in ClinVar:

NM_001943.5(DSG2):c.216+20A>C

Gene: DSG2 (desmoglein 2; plus strand). Cytogenetic location: 18q12.1.
Variant type: single nucleotide variant.
Coding change: c.216+20A>C on transcript NM_001943.5 (MANE Select); 20 bases into the intron after coding-DNA position 216, A replaced by C.
Molecular consequence: intron variant.
Genome position (GRCh38, 1-based): chr18:31,519,957, A>C. VCF-style: chr18-31519957-A-C. GRCh37 (hg19) VCF-style: chr18-29099920-A-C.
Other names: c.216+20A>C (LRG_397t1).
Identifiers: ClinVar variation 381491 (VCV000381491.1), dbSNP rs762768999, ClinGen allele CA044985.

ClinVar aggregate classification (germline): Likely benign (1 of 4 stars; one submission).

gnomAD v4.1: 6 of 1,614,194 alleles (0.00037%); highest among the groups gnomAD compares: Non-Finnish European, 0.00051%; no homozygotes.

Submission:

GeneDx
Classification: Likely benign. Last evaluated: 2015-11-20. Review status: criteria provided, single submitter. Criteria: GeneDx Variant Classification (06012015). Collection method: clinical testing. Allele origin: germline. Affected: yes.
Comment: This variant is considered likely benign or benign based on one or more of the following criteria: it is a conservative change, it occurs at a poorly conserved position in the protein, it is predicted to be benign by multiple in silico algorithms, and/or has population frequency not consistent with disease.